The following is an entry in ClinVar:

ClinVar aggregate classification (germline): Likely benign (0 of 4 stars; one submission).

Conditions:
SOX3-related disorder. Also called: SOX3-related condition; SOX3-Related Disorders.

Allele frequency attached by ClinVar (database versions not stated): TOPMed 0.00001.

Submission:

PreventionGenetics, part of Exact Sciences
Classification: Likely benign for SOX3-related condition. Last evaluated: 2022-01-07. Review status: no assertion criteria provided. Collection method: clinical testing. Allele origin: germline.
Comment: This variant is classified as likely benign based on ACMG/AMP sequence variant interpretation guidelines (Richards et al. 2015 PMID: 25741868, with internal and published modifications).

NM_005634.3(SOX3):c.1029C>T (p.Ala343=)

Gene: SOX3 (SRY-box transcription factor 3; minus strand). Cytogenetic location: Xq27.1.
Variant type: single nucleotide variant.
Coding change: c.1029C>T on transcript NM_005634.3 (MANE Select); coding-DNA position 1029, C replaced by T.
Protein change: p.Ala343=; no amino-acid change (alanine 343 retained).
Molecular consequence: synonymous variant.
Genome position (GRCh38, 1-based): chrX:140,504,032, G>A on the plus strand (C>T on the coding strand, the complement: SOX3 is on the minus strand). VCF-style: chrX-140504032-G-A. GRCh37 (hg19) VCF-style: chrX-139586197-G-A.
Identifiers: ClinVar variation 3048175 (VCV003048175.2), dbSNP rs1927311322, ClinGen allele CA519167604.